The following is an entry in ClinVar:

ClinVar aggregate classification (germline): Likely benign. Review status: criteria provided, single submitter (1 of 4 stars). 2 submissions from 2 submitters: Likely benign (1). 1 of the submissions does not count toward it. Last evaluated 2025-10-10.

Conditions:
MRTFA-related disorder. Also called: MRTFA-related condition.

Allele frequency attached by ClinVar (database versions not stated): gnomAD exomes 0.00001 and 0.00005; TOPMed 0.00003; gnomAD 0.00004.
gnomAD v4.1: 69 of 1,583,660 alleles (0.0044%); highest among the groups gnomAD compares: Non-Finnish European, 0.0057%; no homozygotes.

Submissions (2):

Labcorp Genetics (formerly Invitae), Labcorp
Classification: Likely benign. Last evaluated: 2025-10-10. Review status: criteria provided, single submitter. Criteria: Invitae Variant Classification Sherloc (09022015). Collection method: clinical testing. Allele origin: germline.

PreventionGenetics, part of Exact Sciences
Classification: Likely benign for MRTFA-related condition. Last evaluated: 2019-07-15. Review status: no assertion criteria provided. Collection method: clinical testing. Allele origin: germline. Not counted in ClinVar's aggregate classification.
Comment: This variant is classified as likely benign based on ACMG/AMP sequence variant interpretation guidelines (Richards et al. 2015 PMID: 25741868, with internal and published modifications).

NM_020831.6(MRTFA):c.3051C>T (p.Phe1017=)

Gene: MRTFA (myocardin related transcription factor A; minus strand). Cytogenetic location: 22q13.1.
Variant type: single nucleotide variant.
Coding change: c.3051C>T on transcript NM_020831.6 (MANE Select); coding-DNA position 3051, C replaced by T.
Protein change: p.Phe1017=; no amino-acid change (phenylalanine 1017 retained).
Molecular consequence: synonymous variant. On other transcripts: 3 prime UTR variant (1).
Genome position (GRCh38, 1-based): chr22:40,411,435, G>A on the plus strand (C>T on the coding strand, the complement: MRTFA is on the minus strand). VCF-style: chr22-40411435-G-A. GRCh37 (hg19) VCF-style: chr22-40807439-G-A.
Other names: c.2751C>T (NM_020831.4); c.2751C>T, p.Phe917= (NM_001282660.2); c.2901C>T, p.Phe967= (NM_001282661.3); c.*364C>T (NM_001282662.3); c.2856C>T, p.Phe952= (NM_001318139.2).
Identifiers: ClinVar variation 1682911 (VCV001682911.10), dbSNP rs1222007621, ClinGen allele CA514790017.